The following is an entry in ClinVar:

ClinVar aggregate classification (germline): Benign/Likely benign. Review status: criteria provided, multiple submitters, no conflicts (2 of 4 stars). 11 submissions from 10 submitters: Benign (2); Likely benign (6). 3 of the submissions do not count toward it. Last evaluated 2026-02-02.

Conditions:
Familial ovarian cancer. Identifiers: MedGen C5679802, MONDO:0016248.
Hereditary cancer-predisposing syndrome. Also called: Hereditary Cancer Syndrome; Hereditary neoplastic syndrome; Tumor predisposition; Neoplastic Syndromes, Hereditary. Identifiers: Orphanet 140162, MedGen C0027672, MeSH D009386, MONDO:0015356.
Ovarian cancer. Also called: OVARIAN CANCER, SOMATIC. Identifiers: Orphanet 213500, MedGen C1140680, MONDO:0008170, OMIM 167000.
Familial cancer of breast. Also called: Hereditary breast cancer; hereditary breast carcinoma; BREAST CANCER, FAMILIAL. Identifiers: Orphanet 227535, MedGen C0346153, MONDO:0016419, OMIM 114480. Disease mechanism: loss of function.
Fanconi anemia complementation group J. Also called: BRIP1-Related Fanconi Anemia. Identifiers: Orphanet 84, MedGen C1836860, MONDO:0012187, OMIM 609054.
Hereditary breast ovarian cancer syndrome. Also called: Hereditary breast and/or ovarian cancer syndrome; Breast and ovarian cancer; Hereditary breast and ovarian cancer syndrome (HBOC); Hereditary breast and ovarian cancer; BRCA1- and BRCA2-Associated Hereditary Breast and Ovarian Cancer; Hereditary breast and ovarian cancer syndrome. Identifiers: Orphanet 145, MedGen C0677776, MeSH D061325, MONDO:0003582. Disease mechanism: loss of function.

Allele frequency attached by ClinVar (database versions not stated): gnomAD exomes 0.00004; ExAC 0.00010; 1000 Genomes Project 0.00040; gnomAD 0.00048 and 0.00051; ESP Exome Variant Server 0.00054; TOPMed 0.00054.
gnomAD v4.1: 163 of 1,580,972 alleles (0.01%); highest among the groups gnomAD compares: African/African-American, 0.16%; 1 homozygote.

Submissions (11):

Labcorp Genetics (formerly Invitae), Labcorp
Classification: Likely benign for Familial cancer of breast; Fanconi anemia complementation group J. Last evaluated: 2026-02-02. Review status: criteria provided, single submitter. Criteria: Invitae Variant Classification Sherloc (09022015). Collection method: clinical testing. Allele origin: germline.

Center for Genomic Medicine, Rigshospitalet, Copenhagen University Hospital
Classification: Likely benign. Last evaluated: 2025-03-04. Review status: criteria provided, single submitter. Criteria: ACMG Guidelines, 2015. Collection method: clinical testing. Allele origin: germline.

Blueprint Genetics
Classification: Likely benign. Last evaluated: 2024-10-28. Review status: criteria provided, single submitter. Criteria: ACMG Guidelines, 2015. Collection method: clinical testing. Allele origin: germline.

National Health Laboratory Service, Universitas Academic Hospital and University of the Free State
Classification: Benign for Hereditary breast ovarian cancer syndrome. Last evaluated: 2022-04-19. Review status: criteria provided, single submitter. Criteria: ACMG Guidelines, 2015. Collection method: clinical testing. Allele origin: germline. Affected: yes. Observed: 14 variant alleles.

Genetic Services Laboratory, University of Chicago
Classification: Likely benign. Last evaluated: 2019-01-02. Review status: criteria provided, single submitter. Criteria: ACMG Guidelines, 2015. Collection method: clinical testing. Allele origin: germline. Affected: no.

PreventionGenetics, part of Exact Sciences
Classification: Likely benign. Last evaluated: 2017-06-08. Review status: criteria provided, single submitter. Criteria: ACMG Guidelines, 2015. Collection method: clinical testing. Allele origin: germline.

Color Diagnostics, LLC DBA Color Health
Classification: Likely benign for Hereditary cancer-predisposing syndrome. Last evaluated: 2016-02-25. Review status: criteria provided, single submitter. Criteria: ACMG Guidelines, 2015. Collection method: clinical testing. Allele origin: germline.

GeneDx
Classification: Benign. Last evaluated: 2015-03-03. Review status: criteria provided, single submitter. Criteria: GeneDx Variant Classification Process June 2021. Collection method: clinical testing. Allele origin: germline. Affected: yes.

Counsyl
Classification: Likely benign for Fanconi anemia complementation group J. Last evaluated: 2016-10-04. Review status: no assertion criteria provided. Collection method: clinical testing. Allele origin: unknown. Not counted in ClinVar's aggregate classification.

Counsyl
Classification: Likely benign for Ovarian cancer. Last evaluated: 2016-10-04. Review status: no assertion criteria provided. Collection method: clinical testing. Allele origin: unknown. Not counted in ClinVar's aggregate classification.

Department of Pathology and Laboratory Medicine, Sinai Health System
Classification: Likely benign for Familial ovarian cancer. Review status: no assertion criteria provided. Collection method: clinical testing. Allele origin: unknown. Affected: yes. Study: The Canadian Open Genetics Repository (COGR). Not counted in ClinVar's aggregate classification.
Comment: The BRIP1 c.1935+11G>A variant was not identified in the literature nor was it identified in the Zhejiang University Database. The variant was identified in dbSNP (ID: rs79121306) as "With Likely benign allele" and ClinVar (classified as likely benign by Counsyl, Color, and Prevention Genetics). The variant was identified in control databases in 42 of 263786 chromosomes at a frequency of 0.0002 (Genome Aggregation Database Feb 27, 2017). The variant was observed in the following populations: African in 39 of 23424 chromosomes (freq: 0.002), Other in 1 of 6130 chromosomes (freq: 0.0002), European in 1 of 122194 chromosomes (freq: 0.000008), and South Asian in 1 of 26422 chromosomes (freq: 0.00004), while the variant was not observed in the Latino, Ashkenazi Jewish, East Asian, or Finnish populations. The variant occurs outside of the splicing consensus sequence and in silico or computational prediction software programs (SpliceSiteFinder, MaxEntScan, NNSPLICE, GeneSplicer) do not predict a difference in splicing. In summary, based on the above information, the clinical significance of this variant cannot be determined with certainty at this time although we would lean towards a more benign role for this variant. This variant is classified as likely benign.

NM_032043.3(BRIP1):c.1935+11G>A

Gene: BRIP1 (BRCA1 interacting DNA helicase 1; minus strand). Cytogenetic location: 17q23.2.
Variant type: single nucleotide variant.
Coding change: c.1935+11G>A on transcript NM_032043.3 (MANE Select); 11 bases into the intron after coding-DNA position 1935, G replaced by A.
Molecular consequence: intron variant.
Genome position (GRCh38, 1-based): chr17:61,780,250, C>T on the plus strand (G>A on the coding strand, the complement: BRIP1 is on the minus strand). VCF-style: chr17-61780250-C-T. GRCh37 (hg19) VCF-style: chr17-59857611-C-T.
Identifiers: ClinVar variation 372096 (VCV000372096.26), dbSNP rs79121306, ClinGen allele CA8690630.